The following is an entry in ClinVar:

ClinVar aggregate classification (germline): Likely benign (0 of 4 stars; one submission).

Conditions:
TNRC6B-related disorder. Also called: TNRC6B-related condition.

Allele frequency attached by ClinVar (database versions not stated): TOPMed 0.00036; gnomAD 0.00037; ExAC 0.00045; gnomAD exomes 0.00055; ESP Exome Variant Server 0.00082.
gnomAD v4.1: 847 of 1,612,960 alleles (0.053%); highest among the groups gnomAD compares: Non-Finnish European, 0.068%; 2 homozygotes.

Submission:

PreventionGenetics, part of Exact Sciences
Classification: Likely benign for TNRC6B-related condition. Last evaluated: 2019-08-06. Review status: no assertion criteria provided. Collection method: clinical testing. Allele origin: germline.
Comment: This variant is classified as likely benign based on ACMG/AMP sequence variant interpretation guidelines (Richards et al. 2015 PMID: 25741868, with internal and published modifications).

NM_001162501.2(TNRC6B):c.4584G>A (p.Gly1528=)

Gene: TNRC6B (trinucleotide repeat containing adaptor 6B; plus strand). Cytogenetic location: 22q13.1.
Variant type: single nucleotide variant.
Coding change: c.4584G>A on transcript NM_001162501.2 (MANE Select); coding-DNA position 4584, G replaced by A.
Protein change: p.Gly1528=; no amino-acid change (glycine 1528 retained).
Molecular consequence: synonymous variant.
Genome position (GRCh38, 1-based): chr22:40,312,903, G>A. VCF-style: chr22-40312903-G-A. GRCh37 (hg19) VCF-style: chr22-40708907-G-A.
Other names: c.2172G>A, p.Gly724= (NM_001024843.2); c.4254G>A, p.Gly1418= (NM_015088.3).
Identifiers: ClinVar variation 3035862 (VCV003035862.2), dbSNP rs201034480, ClinGen allele CA10247340.
Genomic context (GRCh38, chr22:40,312,903, plus strand): 5'-TTCACTGGTTATACTGACATTTATCTTCAGTATTTTCTTCTTGTTCTTTGTTACCCAAGG[G>A]TCTAATTCTTCCCTCAACACCTCGCTGCCTTCACCTGGTGCCTGGCCCTACAGTGCCTCT-3'
Protein context (NP_001155973.1, residues 1518-1538): DHQLLRDNTT[Gly1528=]SNSSLNTSLP